The following is an entry in ClinVar:

NM_199355.4(ADAMTS18):c.868C>A (p.Gln290Lys)

Gene: ADAMTS18 (ADAM metallopeptidase with thrombospondin type 1 motif 18; minus strand). Cytogenetic location: 16q23.1.
Variant type: single nucleotide variant.
Coding change: c.868C>A on transcript NM_199355.4 (MANE Select); coding-DNA position 868, C replaced by A.
Protein change: p.Gln290Lys; replaces glutamine 290 with lysine.
Molecular consequence: missense variant.
Genome position (GRCh38, 1-based): chr16:77,364,292, G>T on the plus strand (C>A on the coding strand, the complement: ADAMTS18 is on the minus strand). VCF-style: chr16-77364292-G-T. GRCh37 (hg19) VCF-style: chr16-77398189-G-T.
Other names: c.352C>A, p.Gln118Lys (NM_001326358.2); short protein forms Q118K, Q290K.
Identifiers: ClinVar variation 1959007 (VCV001959007.2), dbSNP rs200685667, ClinGen allele CA284437850.

ClinVar aggregate classification (germline): Uncertain significance (1 of 4 stars; one submission).

Allele frequency attached by ClinVar (database versions not stated): TOPMed 0.00001; gnomAD 0.00002; 1000 Genomes Project 30x 0.00016; 1000 Genomes Project 0.00020.
gnomAD v4.1: 9 of 1,613,888 alleles (0.00056%); highest among the groups gnomAD compares: East Asian, 0.013%; no homozygotes.

Submission:

Labcorp Genetics (formerly Invitae), Labcorp
Classification: Uncertain significance. Last evaluated: 2022-10-04. Review status: criteria provided, single submitter. Criteria: Invitae Variant Classification Sherloc (09022015). Collection method: clinical testing. Allele origin: germline.
Comment: This sequence change replaces glutamine, which is neutral and polar, with lysine, which is basic and polar, at codon 290 of the ADAMTS18 protein (p.Gln290Lys). This variant is present in population databases (rs200685667, gnomAD 0.03%). This variant has not been reported in the literature in individuals affected with ADAMTS18-related conditions. Algorithms developed to predict the effect of missense changes on protein structure and function are either unavailable or do not agree on the potential impact of this missense change (SIFT: "Not Available"; PolyPhen-2: "Benign"; Align-GVGD: "Not Available"). In summary, the available evidence is currently insufficient to determine the role of this variant in disease. Therefore, it has been classified as a Variant of Uncertain Significance.